The following is an entry in ClinVar:

NM_139058.3(ARX):c.1374G>C (p.Ala458=)

Gene: ARX (aristaless related homeobox; minus strand). Cytogenetic location: Xp21.3.
Variant type: single nucleotide variant.
Coding change: c.1374G>C on transcript NM_139058.3 (MANE Select); coding-DNA position 1374, G replaced by C.
Protein change: p.Ala458=; no amino-acid change (alanine 458 retained).
Molecular consequence: synonymous variant.
Genome position (GRCh38, 1-based): chrX:25,007,185, C>G on the plus strand (G>C on the coding strand, the complement: ARX is on the minus strand). VCF-style: chrX-25007185-C-G. GRCh37 (hg19) VCF-style: chrX-25025302-C-G.
Identifiers: ClinVar variation 3025794 (VCV003025794.22), dbSNP rs751770883, ClinGen allele CA10373808.
Genomic context (GRCh38, chrX:25,007,185, plus strand): 5'-GCTGATGAAAGCTGGGTGTCGGAACACTGCCGCTCCGAGGAAAGTGCTCAGGCCCAGCGG[C>G]GCCCCGCTGGGCGGCAGGCTGGCCGAGCCCGGAGGCGGAGGTAGGCTCGGGAAGGCGGCG-3'
Protein context (NP_620689.1, residues 448-468): PGSASLPPSG[Ala458=]PLGLSTFLGA

ClinVar aggregate classification (germline): Likely benign (1 of 4 stars; one submission).

Allele frequency attached by ClinVar (database versions not stated): ExAC 0.00003.
gnomAD v4.1: 2 of 1,187,151 alleles (0.00017%); highest among the groups gnomAD compares: Non-Finnish European, 0.00011%; no homozygotes.

Submission:

CeGaT Center for Human Genetics Tuebingen
Classification: Likely benign. Last evaluated: 2026-08-01. Review status: criteria provided, single submitter. Criteria: CeGaT Center For Human Genetics Tuebingen Variant Classification Criteria Version 2. Collection method: clinical testing. Allele origin: germline. Affected: yes. Observed: 7 variant alleles.
Comment: ARX: BP4, BP7